The following is an entry in ClinVar:

ClinVar aggregate classification (germline): Uncertain significance (1 of 4 stars; one submission).

Conditions:
Hereditary cancer-predisposing syndrome. Also called: Hereditary Cancer Syndrome; Hereditary neoplastic syndrome; Neoplastic Syndromes, Hereditary; Tumor predisposition. Identifiers: Orphanet 140162, MedGen C0027672, MeSH D009386, MONDO:0015356.

Submission:

Sema4
Classification: Uncertain significance for Hereditary cancer-predisposing syndrome. Last evaluated: 2022-03-16. Review status: criteria provided, single submitter. Criteria: Sema4 Curation Guidelines. Collection method: curation. Allele origin: germline.
Comment: The NTHL1 c.338T>C (p.L113P) variant has not been reported in the literature to our knowledge. It was not observed in the large and broad cohorts of the Genome Aggregation Database (PMID: 32461654). The variant has not been reported in ClinVar. In silico tools suggest the impact of the variant on protein function is deleterious, though these predictions have not been confirmed by functional studies. The evidence is insufficient to meet ACMG/AMP criteria for classifying the variant as benign or pathogenic. Thus, the clinical significance of this variant is currently uncertain.

NM_002528.7(NTHL1):c.314T>C (p.Leu105Pro)

Gene: NTHL1 (nth like DNA glycosylase 1; minus strand). Cytogenetic location: 16p13.3.
Variant type: single nucleotide variant.
Coding change: c.314T>C on transcript NM_002528.7 (MANE Select); coding-DNA position 314, T replaced by C.
Protein change: p.Leu105Pro; replaces leucine 105 with proline.
Molecular consequence: missense variant. On other transcripts: intron variant (1).
Genome position (GRCh38, 1-based): chr16:2,046,168, A>G on the plus strand (T>C on the coding strand, the complement: NTHL1 is on the minus strand). VCF-style: chr16-2046168-A-G. GRCh37 (hg19) VCF-style: chr16-2096169-A-G.
Other names: c.314T>C, p.Leu105Pro (NM_001318193.2); c.24+112T>C (NM_001318194.2); short protein forms L105P.
Identifiers: ClinVar variation 1692694 (VCV001692694.1), dbSNP rs2150945263, ClinGen allele CA394295376.
Genomic context (GRCh38, chr16:2,046,168, plus strand): 5'-CAGATGGGGCCCCTGCCTACCTTTGGGGGGGCACTGGAGTCATAGCAGTGCTCAGTCCCC[A>G]GATGGTCCACAGGTGCATCCTTTTTGTTCCTCATGGCACGGATGTTGACCAGCTGTTGCT-3'
Protein context (NP_002519.2, residues 95-115): RNKKDAPVDH[Leu105Pro]GTEHCYDSSA